The following is an entry in ClinVar:

ClinVar aggregate classification (germline): Likely benign (1 of 4 stars; one submission).

gnomAD v4.1: 4 of 1,603,500 alleles (0.00025%); highest among the groups gnomAD compares: Non-Finnish European, 0.00034%; no homozygotes.

Submission:

CeGaT Center for Human Genetics Tuebingen
Classification: Likely benign. Last evaluated: 2026-08-01. Review status: criteria provided, single submitter. Criteria: CeGaT Center For Human Genetics Tuebingen Variant Classification Criteria Version 2. Collection method: clinical testing. Allele origin: germline. Affected: yes. Observed: 1 variant allele.
Comment: EARS2: BP4, BP7

NM_001083614.2(EARS2):c.771C>T (p.His257=)

Gene: EARS2 (glutamyl-tRNA synthetase 2, mitochondrial; minus strand). Cytogenetic location: 16p12.2.
Variant type: single nucleotide variant.
Coding change: c.771C>T on transcript NM_001083614.2 (MANE Select); coding-DNA position 771, C replaced by T.
Protein change: p.His257=; no amino-acid change (histidine 257 retained).
Molecular consequence: synonymous variant. On other transcripts: non-coding transcript variant (1).
Genome position (GRCh38, 1-based): chr16:23,535,075, G>A on the plus strand (C>T on the coding strand, the complement: EARS2 is on the minus strand). VCF-style: chr16-23535075-G-A. GRCh37 (hg19) VCF-style: chr16-23546396-G-A.
Other names: c.771C>T, p.His257= (NM_001308211.1).
Identifiers: ClinVar variation 5040694 (VCV005040694.1).